The following is an entry in ClinVar:

ClinVar aggregate classification (germline): Uncertain significance. Review status: criteria provided, multiple submitters, no conflicts (2 of 4 stars). 2 submissions from 2 submitters: Uncertain significance (2). Last evaluated 2025-08-05.

Conditions:
Inborn genetic diseases. Identifiers: MedGen C0950123, MeSH D030342.

Allele frequency attached by ClinVar (database versions not stated): ExAC 0.00001; gnomAD exomes 0.00001; TOPMed 0.00001.
gnomAD v4.1: 11 of 1,590,298 alleles (0.00069%); highest among the groups gnomAD compares: Admixed American, 0.0017%; no homozygotes.

Submissions (2):

Ambry Genetics
Classification: Uncertain significance for Inborn genetic diseases. Last evaluated: 2025-08-05. Review status: criteria provided, single submitter. Criteria: Ambry Variant Classification Scheme 2023. Collection method: clinical testing. Allele origin: germline.

Labcorp Genetics (formerly Invitae), Labcorp
Classification: Uncertain significance. Last evaluated: 2024-11-22. Review status: criteria provided, single submitter. Criteria: Invitae Variant Classification Sherloc (09022015). Collection method: clinical testing. Allele origin: germline.
Comment: This sequence change replaces arginine, which is basic and polar, with cysteine, which is neutral and slightly polar, at codon 214 of the TONSL protein (p.Arg214Cys). The frequency data for this variant in the population databases is considered unreliable, as metrics indicate poor data quality at this position in the gnomAD database. This variant has not been reported in the literature in individuals affected with TONSL-related conditions. ClinVar contains an entry for this variant (Variation ID: 1436192). Invitae Evidence Modeling of protein sequence and biophysical properties (such as structural, functional, and spatial information, amino acid conservation, physicochemical variation, residue mobility, and thermodynamic stability) indicates that this missense variant is expected to disrupt TONSL protein function with a positive predictive value of 80%. In summary, the available evidence is currently insufficient to determine the role of this variant in disease. Therefore, it has been classified as a Variant of Uncertain Significance.

NM_013432.5(TONSL):c.640C>T (p.Arg214Cys)

Gene: TONSL (tonsoku like, DNA repair protein; minus strand). Cytogenetic location: 8q24.3.
Variant type: single nucleotide variant.
Coding change: c.640C>T on transcript NM_013432.5 (MANE Select); coding-DNA position 640, C replaced by T.
Protein change: p.Arg214Cys; replaces arginine 214 with cysteine.
Molecular consequence: missense variant.
Genome position (GRCh38, 1-based): chr8:144,442,351, G>A on the plus strand (C>T on the coding strand, the complement: TONSL is on the minus strand). VCF-style: chr8-144442351-G-A. GRCh37 (hg19) VCF-style: chr8-145667734-G-A.
Other names: c.640C>T (NM_013432.4); short protein forms R214C.
Identifiers: ClinVar variation 1436192 (VCV001436192.8), dbSNP rs763013214, ClinGen allele CA4943569.